The following is an entry in ClinVar:

ClinVar aggregate classification (germline): Uncertain significance. Review status: criteria provided, multiple submitters, no conflicts (2 of 4 stars). 2 submissions from 2 submitters: Uncertain significance (2). Last evaluated 2024-01-09.

Allele frequency attached by ClinVar (database versions not stated): gnomAD exomes 0.00001; ExAC 0.00002; gnomAD 0.00016; TOPMed 0.00022; ESP Exome Variant Server 0.00023.
gnomAD v4.1: 45 of 1,614,072 alleles (0.0028%); highest among the groups gnomAD compares: African/African-American, 0.053%; no homozygotes.

Submissions (2):

Ambry Genetics
Classification: Uncertain significance. Last evaluated: 2024-01-09. Review status: criteria provided, single submitter. Criteria: Ambry Variant Classification Scheme 2023. Collection method: clinical testing. Allele origin: germline.

Labcorp Genetics (formerly Invitae), Labcorp
Classification: Uncertain significance. Last evaluated: 2022-12-06. Review status: criteria provided, single submitter. Criteria: Invitae Variant Classification Sherloc (09022015). Collection method: clinical testing. Allele origin: germline.
Comment: In summary, the available evidence is currently insufficient to determine the role of this variant in disease. Therefore, it has been classified as a Variant of Uncertain Significance. Algorithms developed to predict the effect of missense changes on protein structure and function output the following: SIFT: "Tolerated"; PolyPhen-2: "Benign"; Align-GVGD: "Class C0". The threonine amino acid residue is found in multiple mammalian species, which suggests that this missense change does not adversely affect protein function. This sequence change replaces isoleucine, which is neutral and non-polar, with threonine, which is neutral and polar, at codon 2370 of the IGSF10 protein (p.Ile2370Thr). This variant has not been reported in the literature in individuals affected with IGSF10-related conditions. This variant is present in population databases (rs150454623, gnomAD 0.05%).

NM_178822.5(IGSF10):c.7109T>C (p.Ile2370Thr)

Gene: IGSF10 (immunoglobulin superfamily member 10; minus strand). Cytogenetic location: 3q25.1.
Variant type: single nucleotide variant.
Coding change: c.7109T>C on transcript NM_178822.5 (MANE Select); coding-DNA position 7109, T replaced by C.
Protein change: p.Ile2370Thr; replaces isoleucine 2370 with threonine.
Molecular consequence: missense variant.
Genome position (GRCh38, 1-based): chr3:151,437,452, A>G on the plus strand (T>C on the coding strand, the complement: IGSF10 is on the minus strand). VCF-style: chr3-151437452-A-G. GRCh37 (hg19) VCF-style: chr3-151155240-A-G.
Other names: c.1046T>C, p.Ile349Thr (NM_001178145.3, NM_001178146.3); c.7109T>C, p.Ile2370Thr (NM_001385060.1, NM_001385061.1, NM_001385062.1 and 1 more transcripts); c.7109T>C (NM_178822.4); short protein forms I349T, I2370T.
Identifiers: ClinVar variation 2895264 (VCV002895264.4), dbSNP rs150454623, ClinGen allele CA2669371.